The following is an entry in ClinVar:

ClinVar aggregate classification (germline): Benign. Review status: criteria provided, multiple submitters, no conflicts (2 of 4 stars). 3 submissions from 3 submitters: Benign (3). Last evaluated 2018-01-13.

Conditions:
Early Myoclonic Encephalopathy. Identifiers: MedGen C0270855.

Allele frequency attached by ClinVar (database versions not stated): gnomAD 0.05673 and 0.06071; TOPMed 0.06421; 1000 Genomes Project 0.06030; 1000 Genomes Project 30x 0.06215.

Submissions (5):

Illumina Laboratory Services, Illumina
Classification: Benign for Developmental and epileptic encephalopathy, 3. Last evaluated: 2018-01-13. Review status: criteria provided, single submitter. Criteria: ICSL Variant Classification Criteria 13 December 2019. Collection method: clinical testing. Allele origin: germline.
Comment: This variant was observed in the ICSL laboratory as part of a predisposition screen in an ostensibly healthy population. It had not been previously curated by ICSL or reported in the Human Gene Mutation Database (HGMD: prior to June 1st, 2018), and was therefore a candidate for classification through an automated scoring system. Utilizing variant allele frequency, disease prevalence and penetrance estimates, and inheritance mode, an automated score was calculated to assess if this variant is too frequent to cause the disease. Based on the score and internal cut-off values, a variant classified as benign is not then subjected to further curation. The score for this variant resulted in a classification of benign for this disease.

GeneDx
Classification: Benign. Last evaluated: 2015-03-03. Review status: criteria provided, single submitter. Criteria: GeneDx Variant Classification Process June 2021. Collection method: clinical testing. Allele origin: germline. Affected: yes.

Breakthrough Genomics
Classification: Benign. Review status: criteria provided, single submitter. Criteria: ACMG Guidelines, 2015. Collection method: not provided. Allele origin: germline. Inheritance: Autosomal recessive inheritance. Affected: yes.

Dr. Peter K. Rogan Lab, Western University
No classification provided (evidence only). Condition: Thymoma. Review status: no classification provided. Collection method: in vitro. Allele origin: not applicable. Functional consequence: retained intron. Not counted in ClinVar's aggregate classification.

Dr. Peter K. Rogan Lab, Western University
No classification provided (evidence only). Condition: Ovarian serous cystadenocarcinoma. Review status: no classification provided. Collection method: in vitro. Allele origin: not applicable. Functional consequence: retained intron. Not counted in ClinVar's aggregate classification.

NM_001191061.2(SLC25A22):c.-163-868T>C

Gene: SLC25A22 (solute carrier family 25 member 22; minus strand). Cytogenetic location: 11p15.5.
Variant type: single nucleotide variant.
Coding change: c.-163-868T>C on transcript NM_001191061.2 (MANE Select); 868 bases into the intron before 163 bases upstream of the start codon, T replaced by C.
Molecular consequence: intron variant.
Genome position (GRCh38, 1-based): chr11:796,037, A>G on the plus strand (T>C on the coding strand, the complement: SLC25A22 is on the minus strand). VCF-style: chr11-796037-A-G. GRCh37 (hg19) VCF-style: chr11-796037-A-G.
Other names: NC_000011.9:g.796037A>G; c.-163-868T>C (NM_001191060.2); c.-164+6T>C (NM_024698.6).
Identifiers: ClinVar variation 306278 (VCV000306278.9), dbSNP rs111520133, ClinGen allele CA10640338.